The following is an entry in ClinVar:

ClinVar aggregate classification (germline): Uncertain significance (1 of 4 stars; one submission).

Submission:

Ambry Genetics
Classification: Uncertain significance. Last evaluated: 2024-11-03. Review status: criteria provided, single submitter. Criteria: Ambry Variant Classification Scheme 2023. Collection method: clinical testing. Allele origin: germline.
Comment: The p.I538L variant (also known as c.1612A>T) is located in coding exon 11 of the POLQ gene. The isoleucine at codon 538 is replaced by leucine, an amino acid with highly similar properties. This change occurs in the first base pair of coding exon 11. This amino acid position is conserved. In addition, this alteration is predicted to be tolerated by in silico analysis. Based on the available evidence, the clinical significance of this variant remains unclear.

NM_199420.4(POLQ):c.1612A>T (p.Ile538Leu)

Gene: POLQ (DNA polymerase theta; minus strand). Cytogenetic location: 3q13.33.
Variant type: single nucleotide variant.
Coding change: c.1612A>T on transcript NM_199420.4 (MANE Select); coding-DNA position 1612, A replaced by T.
Protein change: p.Ile538Leu; replaces isoleucine 538 with leucine.
Molecular consequence: missense variant.
Genome position (GRCh38, 1-based): chr3:121,510,243, T>A on the plus strand (A>T on the coding strand, the complement: POLQ is on the minus strand). VCF-style: chr3-121510243-T-A. GRCh37 (hg19) VCF-style: chr3-121229090-T-A.
Other names: short protein forms I538L.
Identifiers: ClinVar variation 3422644 (VCV003422644.1).